The following is an entry in ClinVar:

ClinVar aggregate classification (germline): Uncertain significance. Review status: criteria provided, multiple submitters, no conflicts (2 of 4 stars). 2 submissions from 2 submitters: Uncertain significance (2). Last evaluated 2023-06-05.

Conditions:
46,XY sex reversal 3. Also called: 46,XY SEX REVERSAL, PARTIAL OR COMPLETE, NR5A1-RELATED; 46,XY GONADAL DYSGENESIS, PARTIAL OR COMPLETE, WITH OR WITHOUT ADRENAL FAILURE; DISORDER OF SEX DEVELOPMENT, 46,XY, NR5A1-RELATED; NR5A1-related 46,XY complete gonadal dysgenesis; SEX REVERSAL, XY, WITH OR WITHOUT ADRENAL FAILURE. Identifiers: MedGen C3489793, MONDO:0013066, OMIM 612965.
Oligosynaptic infertility (SPGF1). Also called: SPERMATOGENIC FAILURE 1; OLIGOCHIASMATIC INFERTILITY. Identifiers: MedGen C0403810, MONDO:0009776, OMIM 258150.
46 XY differences of sex development. Also called: 46, XY disorder of sex development (DSD); 46,XY disorder of sex development. Identifiers: Orphanet 98085, MedGen C2751824, MONDO:0020040.

Allele frequency attached by ClinVar (database versions not stated): gnomAD exomes below 0.00001.

Submissions (2):

Labcorp Genetics (formerly Invitae), Labcorp
Classification: Uncertain significance for 46 XY differences of sex development; Oligosynaptic infertility. Last evaluated: 2023-06-05. Review status: criteria provided, single submitter. Criteria: Invitae Variant Classification Sherloc (09022015). Collection method: clinical testing. Allele origin: germline.
Comment: This missense change has been observed in individual(s) with 46XY sex reversal (PMID: 29095814, 33351340). This variant is not present in population databases (gnomAD no frequency). ClinVar contains an entry for this variant (Variation ID: 1687563). In summary, the available evidence is currently insufficient to determine the role of this variant in disease. Therefore, it has been classified as a Variant of Uncertain Significance. Advanced modeling of protein sequence and biophysical properties (such as structural, functional, and spatial information, amino acid conservation, physicochemical variation, residue mobility, and thermodynamic stability) performed at Invitae indicates that this missense variant is not expected to disrupt NR5A1 protein function. This sequence change replaces arginine, which is basic and polar, with tryptophan, which is neutral and slightly polar, at codon 241 of the NR5A1 protein (p.Arg241Trp).

3billion
Classification: Uncertain significance for 46,XY sex reversal 3. Last evaluated: 2022-05-22. Review status: criteria provided, single submitter. Criteria: ACMG Guidelines, 2015. Collection method: clinical testing. Allele origin: germline. Affected: yes. Observed: 1 heterozygote.
Comment: The variant is not observed in the gnomAD v2.1.1 dataset. Missense changes are a common disease-causing mechanism. In silico tool predictions suggest damaging effect of the variant on gene or gene product (REVEL: 0.61; 3Cnet: 0.08). Same nucleotide change resulting in same amino acid change has been previously reported to be associated with NR5A1 related disorder (PMID: 29095814). However, the evidence of pathogenicity is insufficient at this time. Therefore, this variant is classified as uncertain significanceaccording to the recommendation of ACMG/AMP guideline.

Literature cited by the submitters: PubMed 29095814 (cited by Labcorp Genetics (formerly Invitae), Labcorp and 3billion); PubMed 33351340 (cited by Labcorp Genetics (formerly Invitae), Labcorp).

NM_004959.5(NR5A1):c.721C>T (p.Arg241Trp)

Gene: NR5A1 (nuclear receptor subfamily 5 group A member 1; minus strand). Cytogenetic location: 9q33.3.
Variant type: single nucleotide variant.
Coding change: c.721C>T on transcript NM_004959.5 (MANE Select); coding-DNA position 721, C replaced by T.
Protein change: p.Arg241Trp; replaces arginine 241 with tryptophan.
Molecular consequence: missense variant.
Genome position (GRCh38, 1-based): chr9:124,500,239, G>A on the plus strand (C>T on the coding strand, the complement: NR5A1 is on the minus strand). VCF-style: chr9-124500239-G-A. GRCh37 (hg19) VCF-style: chr9-127262518-G-A.
Other names: short protein forms R241W.
Identifiers: ClinVar variation 1687563 (VCV001687563.4), dbSNP rs1832445795, ClinGen allele CA374886000.